The following is an entry in ClinVar:

ClinVar aggregate classification (germline): Likely pathogenic (1 of 4 stars; one submission).

Submission:

Labcorp Genetics (formerly Invitae), Labcorp
Classification: Likely pathogenic. Last evaluated: 2025-02-13. Review status: criteria provided, single submitter. Criteria: Invitae Variant Classification Sherloc (09022015). Collection method: clinical testing. Allele origin: germline.
Comment: This sequence change replaces phenylalanine, which is neutral and non-polar, with leucine, which is neutral and non-polar, at codon 382 of the TULP1 protein (p.Phe382Leu). This variant is not present in population databases (gnomAD no frequency). This variant has not been reported in the literature in individuals affected with TULP1-related conditions. Invitae Evidence Modeling of protein sequence and biophysical properties (such as structural, functional, and spatial information, amino acid conservation, physicochemical variation, residue mobility, and thermodynamic stability) indicates that this missense variant is expected to disrupt TULP1 protein function with a positive predictive value of 95%. This variant disrupts the p.Phe382 amino acid residue in TULP1. Other variant(s) that disrupt this residue have been determined to be pathogenic (PMID: 15557452, 25324289, 32901917, 33090715). This suggests that this residue is clinically significant, and that variants that disrupt this residue are likely to be disease-causing. In summary, the currently available evidence indicates that the variant is pathogenic, but additional data are needed to prove that conclusively. Therefore, this variant has been classified as Likely Pathogenic.

Literature cited by the submitters: PubMed 15557452; PubMed 25324289; PubMed 32901917; PubMed 33090715.

NM_003322.6(TULP1):c.1144T>C (p.Phe382Leu)

Gene: TULP1 (TUB like protein 1; minus strand). Cytogenetic location: 6p21.31.
Variant type: single nucleotide variant.
Coding change: c.1144T>C on transcript NM_003322.6 (MANE Select); coding-DNA position 1144, T replaced by C.
Protein change: p.Phe382Leu; replaces phenylalanine 382 with leucine.
Molecular consequence: missense variant.
Genome position (GRCh38, 1-based): chr6:35,503,817, A>G on the plus strand (T>C on the coding strand, the complement: TULP1 is on the minus strand). VCF-style: chr6-35503817-A-G. GRCh37 (hg19) VCF-style: chr6-35471594-A-G.
Other names: c.985T>C, p.Phe329Leu (NM_001289395.2); short protein forms F329L, F382L.
Identifiers: ClinVar variation 4801338 (VCV004801338.1).
Genomic context (GRCh38, chr6:35,503,817, plus strand): 5'-CCTGCCGAAGGCTTGCCACATTAGTGCTGTACCCACGCTGTGGGTTCTGCCCGTTGTCAA[A>G]GACCGTGAAGCGGTTCCCCAGGAGGTTGGACCTGCAAGCAGGGTAGAGCTTGGGGTGGGG-3'
Protein context (NP_003313.3, residues 372-392): SNLLGNRFTV[Phe382Leu]DNGQNPQRGY